The following is an entry in ClinVar:

ClinVar aggregate classification (germline): Benign/Likely benign. Review status: criteria provided, multiple submitters, no conflicts (2 of 4 stars). 8 submissions from 8 submitters: Benign (3); Likely benign (4). 1 of the submissions does not count toward it. Last evaluated 2026-08-01.

Conditions:
Inborn genetic diseases. Identifiers: MedGen C0950123, MeSH D030342.
Intellectual disability, autosomal dominant 14 (CSS2). Also called: COFFIN-SIRIS SYNDROME 2. Identifiers: Orphanet 1465, MedGen C3553247, MONDO:0013819, OMIM 614607.
ARID1A-related disorder. Also called: ARID1A-related condition.

Submissions (8):

CeGaT Center for Human Genetics Tuebingen
Classification: Likely benign. Last evaluated: 2026-08-01. Review status: criteria provided, single submitter. Criteria: CeGaT Center For Human Genetics Tuebingen Variant Classification Criteria Version 2. Collection method: clinical testing. Allele origin: germline. Affected: yes. Observed: 7 variant alleles.
Comment: ARID1A: BS1

Labcorp Genetics (formerly Invitae), Labcorp
Classification: Benign. Last evaluated: 2026-01-01. Review status: criteria provided, single submitter. Criteria: Invitae Variant Classification Sherloc (09022015). Collection method: clinical testing. Allele origin: germline.

Blueprint Genetics
Classification: Likely benign. Last evaluated: 2024-10-07. Review status: criteria provided, single submitter. Criteria: ACMG Guidelines, 2015. Collection method: clinical testing. Allele origin: germline.

Ambry Genetics
Classification: Likely benign for Inborn genetic diseases. Last evaluated: 2021-10-14. Review status: criteria provided, single submitter. Criteria: Ambry Variant Classification Scheme 2023. Collection method: clinical testing. Allele origin: germline.

Genetic Services Laboratory, University of Chicago
Classification: Benign. Last evaluated: 2021-03-30. Review status: criteria provided, single submitter. Criteria: ACMG Guidelines, 2015. Collection method: clinical testing. Allele origin: germline. Affected: no.

GeneDx
Classification: Benign. Last evaluated: 2019-09-25. Review status: criteria provided, single submitter. Criteria: GeneDx Variant Classification Process June 2021. Collection method: clinical testing. Allele origin: germline. Affected: yes.

Institute of Human Genetics, University of Leipzig Medical Center
Classification: Likely benign for Intellectual disability, autosomal dominant 14. Last evaluated: 2019-01-01. Review status: criteria provided, single submitter. Criteria: ACMG Guidelines, 2015. Collection method: clinical testing. Allele origin: unknown. Affected: yes.

PreventionGenetics, part of Exact Sciences
Classification: Benign for ARID1A-related condition. Last evaluated: 2023-09-29. Review status: no assertion criteria provided. Collection method: clinical testing. Allele origin: germline. Not counted in ClinVar's aggregate classification.
Comment: This variant is classified as benign based on ACMG/AMP sequence variant interpretation guidelines (Richards et al. 2015 PMID: 25741868, with internal and published modifications).

NM_006015.6(ARID1A):c.1029_1043del (p.Ala345_Ala349del)

Genes: ARID1A (AT-rich interaction domain 1A; plus strand), LOC129929837 (ATAC-STARR-seq lymphoblastoid silent region 489; plus strand). Cytogenetic location: 1p36.11.
Variant type: Deletion.
Coding change: c.1029_1043del on transcript NM_006015.6 (MANE Select); coding-DNA positions 1029 to 1043, 15 bases deleted (AGCTGCGGCGGCGGC).
Protein change: p.Ala345_Ala349del.
Molecular consequence: inframe deletion.
Genome position (GRCh38, 1-based): chr1:26,697,432-26,697,446, AGCTGCGGCGGCGGC deleted; deleting any 15 consecutive bases within chr1:26,697,418-26,697,446 gives the same sequence; the c. name uses the placement nearest the transcript's 3' end. VCF-style (leftmost placement, unchanged base first): chr1-26697417-GGCTGCGGCGGCGGCA-G. GRCh37 (hg19) VCF-style: chr1-27023908-GGCTGCGGCGGCGGCA-G.
Other names: c.1029_1043del (LRG_875t1); c.1029_1043del15 (NM_006015.4); c.1029_1043del, p.Ala345_Ala349del (NM_139135.4).
Identifiers: ClinVar variation 434336 (VCV000434336.59), dbSNP rs751352361, ClinGen allele CA706711.